The following is an entry in ClinVar:

ClinVar aggregate classification (germline): Uncertain significance. Review status: criteria provided, multiple submitters, no conflicts (2 of 4 stars). 3 submissions from 3 submitters: Uncertain significance (3). Last evaluated 2026-10-15.

Conditions:
Nephronophthisis 4 (NPHP4). Also called: NEPHRONOPHTHISIS 4, JUVENILE. Identifiers: Orphanet 655, MedGen C1847013, MONDO:0011752, OMIM 606966.
Senior-Loken syndrome 4 (SLSN4). Identifiers: Orphanet 3156, MedGen C1846979, MONDO:0011756, OMIM 606996.
Nephronophthisis. Also called: Juvenile Nephronophthisis. Identifiers: Orphanet 655, MedGen C0687120, MONDO:0019005, HP:0000090.

Allele frequency attached by ClinVar (database versions not stated): TOPMed below 0.00001; gnomAD 0.00001; gnomAD exomes 0.00001.
gnomAD v4.1: 4 of 1,607,778 alleles (0.00025%); highest among the groups gnomAD compares: Non-Finnish European, 0.00034%; no homozygotes.

Submissions (3):

GeneDx
Classification: Uncertain significance. Last evaluated: 2026-10-15. Review status: criteria provided, single submitter. Criteria: GeneDx Variant Classification Process June 2021. Collection method: clinical testing. Allele origin: germline.
Comment: Not observed at significant frequency in large population cohorts (gnomAD); In silico analysis supports that this missense variant has a deleterious effect on protein structure/function; Has not been previously published as pathogenic or benign to our knowledge

Fulgent Genetics
Classification: Uncertain significance for Nephronophthisis 4; Senior-Loken syndrome 4. Last evaluated: 2024-06-12. Review status: criteria provided, single submitter. Criteria: ACMG Guidelines, 2015. Collection method: clinical testing. Allele origin: germline.

Labcorp Genetics (formerly Invitae), Labcorp
Classification: Uncertain significance for Nephronophthisis. Last evaluated: 2022-08-27. Review status: criteria provided, single submitter. Criteria: Invitae Variant Classification Sherloc (09022015). Collection method: clinical testing. Allele origin: germline.
Comment: This sequence change replaces serine, which is neutral and polar, with cysteine, which is neutral and slightly polar, at codon 1046 of the NPHP4 protein (p.Ser1046Cys). This variant is not present in population databases (gnomAD no frequency). This variant has not been reported in the literature in individuals affected with NPHP4-related conditions. Algorithms developed to predict the effect of missense changes on protein structure and function are either unavailable or do not agree on the potential impact of this missense change (SIFT: "Deleterious"; PolyPhen-2: "Possibly Damaging"; Align-GVGD: "Class C0"). In summary, the available evidence is currently insufficient to determine the role of this variant in disease. Therefore, it has been classified as a Variant of Uncertain Significance.

NM_015102.5(NPHP4):c.3136A>T (p.Ser1046Cys)

Gene: NPHP4 (nephrocystin 4; minus strand). Cytogenetic location: 1p36.31.
Variant type: single nucleotide variant.
Coding change: c.3136A>T on transcript NM_015102.5 (MANE Select); coding-DNA position 3136, A replaced by T.
Protein change: p.Ser1046Cys; replaces serine 1046 with cysteine.
Molecular consequence: missense variant. On other transcripts: non-coding transcript variant (1).
Genome position (GRCh38, 1-based): chr1:5,874,566, T>A on the plus strand (A>T on the coding strand, the complement: NPHP4 is on the minus strand). VCF-style: chr1-5874566-T-A. GRCh37 (hg19) VCF-style: chr1-5934626-T-A.
Other names: c.3136A>T (NM_015102.3); c.1597A>T, p.Ser533Cys (NM_001291593.2); c.1600A>T, p.Ser534Cys (NM_001291594.2); short protein forms S533C, S534C, S1046C.
Identifiers: ClinVar variation 2073496 (VCV002073496.5), dbSNP rs1642361788, ClinGen allele CA338055716.